The following is an entry in ClinVar:

ClinVar aggregate classification (germline): Uncertain significance. Review status: criteria provided, multiple submitters, no conflicts (2 of 4 stars). 2 submissions from 2 submitters: Uncertain significance (2). Last evaluated 2025-03-21.

Conditions:
Short-rib thoracic dysplasia 14 with polydactyly (SRTD14). Identifiers: Orphanet 397715, MedGen C4225286, MONDO:0014688, OMIM 616546.
Joubert syndrome 23 (JBTS23). Identifiers: Orphanet 475, MedGen C4084822, MONDO:0014664, OMIM 616490.
Inborn genetic diseases. Identifiers: MedGen C0950123, MeSH D030342.

Allele frequency attached by ClinVar (database versions not stated): gnomAD 0.00001; TOPMed below 0.00001.
gnomAD v4.1: 1 of 1,612,888 alleles (0.000062%); highest among the groups gnomAD compares: Admixed American, 0.0017%; no homozygotes.

Submissions (2):

Ambry Genetics
Classification: Uncertain significance for Inborn genetic diseases. Last evaluated: 2025-03-21. Review status: criteria provided, single submitter. Criteria: Ambry Variant Classification Scheme 2023. Collection method: clinical testing. Allele origin: germline.

Labcorp Genetics (formerly Invitae), Labcorp
Classification: Uncertain significance for Joubert syndrome 23; Short-rib thoracic dysplasia 14 with polydactyly. Last evaluated: 2022-04-12. Review status: criteria provided, single submitter. Criteria: Invitae Variant Classification Sherloc (09022015). Collection method: clinical testing. Allele origin: germline.
Comment: This sequence change replaces glycine, which is neutral and non-polar, with valine, which is neutral and non-polar, at codon 791 of the KIAA0586 protein (p.Gly791Val). This variant is not present in population databases (gnomAD no frequency). This variant has not been reported in the literature in individuals affected with KIAA0586-related conditions. Algorithms developed to predict the effect of missense changes on protein structure and function are either unavailable or do not agree on the potential impact of this missense change (SIFT: "Deleterious"; PolyPhen-2: "Probably Damaging"; Align-GVGD: "Class C0"). Algorithms developed to predict the effect of sequence changes on RNA splicing suggest that this variant may disrupt the consensus splice site. In summary, the available evidence is currently insufficient to determine the role of this variant in disease. Therefore, it has been classified as a Variant of Uncertain Significance.

NM_001329943.3(KIAA0586):c.2213G>T (p.Gly738Val)

Gene: KIAA0586 (KIAA0586; plus strand). Cytogenetic location: 14q23.1.
Variant type: single nucleotide variant.
Coding change: c.2213G>T on transcript NM_001329943.3 (MANE Select); coding-DNA position 2213, G replaced by T.
Protein change: p.Gly738Val; replaces glycine 738 with valine.
Molecular consequence: missense variant.
Genome position (GRCh38, 1-based): chr14:58,465,988, G>T. VCF-style: chr14-58465988-G-T. GRCh37 (hg19) VCF-style: chr14-58932706-G-T.
Other names: c.2372G>T, p.Gly791Val (NM_001244189.2); c.2168G>T, p.Gly723Val (NM_001244190.2); c.1958G>T, p.Gly653Val (NM_001244191.2, NM_001329945.2, NM_001364700.1 and 1 more transcripts); c.2081G>T, p.Gly694Val (NM_001244192.2); c.1793G>T, p.Gly598Val (NM_001244193.2); c.2213G>T, p.Gly738Val (NM_001329944.2, NM_001329946.2, NM_001329947.2); c.1985G>T, p.Gly662Val (NM_014749.5); c.1985G>T (NM_014749.3); short protein forms G598V, G653V, G723V, G694V, G791V, G738V, G662V.
Identifiers: ClinVar variation 2125777 (VCV002125777.2), dbSNP rs2040734973, ClinGen allele CA389874294.
Genomic context (GRCh38, chr14:58,465,988, plus strand): 5'-TACCTCATGGCGATCAGCAATATTTGTTCAGCCCAAGTAGAGAAATGCCTACTTTTTCAG[G>T]TACATTGGAAGGTCATCTGATTCCTATGGCAATTCTTTTAGGTAAGAATCAACAAAATAT-3'
Protein context (NP_001316872.1, residues 728-748): SPSREMPTFS[Gly738Val]TLEGHLIPMA